The following is an entry in ClinVar:

NM_000718.4(CACNA1B):c.3862G>A (p.Val1288Ile)

Gene: CACNA1B (calcium voltage-gated channel subunit alpha1 B; plus strand). Cytogenetic location: 9q34.3.
Variant type: single nucleotide variant.
Coding change: c.3862G>A on transcript NM_000718.4 (MANE Select); coding-DNA position 3862, G replaced by A.
Protein change: p.Val1288Ile; replaces valine 1288 with isoleucine.
Molecular consequence: missense variant.
Genome position (GRCh38, 1-based): chr9:138,053,900, G>A. VCF-style: chr9-138053900-G-A. GRCh37 (hg19) VCF-style: chr9-140948352-G-A.
Other names: c.3862G>A, p.Val1288Ile (NM_001243812.2); short protein forms V1288I.
Identifiers: ClinVar variation 1029937 (VCV001029937.1), dbSNP rs1959395759, ClinGen allele CA375812836.

ClinVar aggregate classification (germline): Uncertain significance (1 of 4 stars; one submission).

Conditions:
Dystonia 23 (DYT23). Identifiers: Orphanet 420492, MedGen C3538999, MONDO:0013928, OMIM 614860.

Submission:

Baylor Genetics
Classification: Uncertain significance for Dystonia 23. Last evaluated: 2020-01-28. Review status: criteria provided, single submitter. Criteria: ACMG Guidelines, 2015. Collection method: clinical testing. Allele origin: unknown. Affected: yes.
Comment: This variant was determined to be of uncertain significance according to ACMG Guidelines, 2015 [PMID:25741868].